The following is an entry in ClinVar:

NM_001384474.1(LOXHD1):c.5500G>T (p.Glu1834Ter)

Gene: LOXHD1 (lipoxygenase homology PLAT domains 1; minus strand). Cytogenetic location: 18q21.1.
Variant type: single nucleotide variant.
Coding change: c.5500G>T on transcript NM_001384474.1 (MANE Select); coding-DNA position 5500, G replaced by T.
Protein change: p.Glu1834Ter; replaces glutamic acid 1834 with a stop codon.
Molecular consequence: nonsense.
Genome position (GRCh38, 1-based): chr18:46,509,715, C>A on the plus strand (G>T on the coding strand, the complement: LOXHD1 is on the minus strand). VCF-style: chr18-46509715-C-A. GRCh37 (hg19) VCF-style: chr18-44089678-C-A.
Other names: c.2167G>T, p.Glu723Ter (NM_001145472.3); c.217G>T, p.Glu73Ter (NM_001145473.3, NM_001173129.2); c.1879G>T, p.Glu627Ter (NM_001308013.2); c.5314G>T, p.Glu1772Ter (NM_144612.7); short protein forms E73*, E627*, E1772*, E1834*, E723*.
Identifiers: ClinVar variation 2772075 (VCV002772075.3), dbSNP rs2511512805, ClinGen allele CA402368374.

ClinVar aggregate classification (germline): Pathogenic (1 of 4 stars; one submission).

Submission:

Labcorp Genetics (formerly Invitae), Labcorp
Classification: Pathogenic. Last evaluated: 2023-10-27. Review status: criteria provided, single submitter. Criteria: Invitae Variant Classification Sherloc (09022015). Collection method: clinical testing. Allele origin: germline.
Comment: This sequence change creates a premature translational stop signal (p.Glu1772*) in the LOXHD1 gene. It is expected to result in an absent or disrupted protein product. Loss-of-function variants in LOXHD1 are known to be pathogenic (PMID: 19732867, 21465660, 25792669). This variant is not present in population databases (gnomAD no frequency). This variant has not been reported in the literature in individuals affected with LOXHD1-related conditions. For these reasons, this variant has been classified as Pathogenic.

Literature cited by the submitters: PubMed 19732867; PubMed 21465660; PubMed 25792669.